The following is an entry in ClinVar:

NM_001160148.2(DDHD1):c.2693A>T (p.Asp898Val)

Gene: DDHD1 (DDHD domain containing 1; minus strand). Cytogenetic location: 14q22.1.
Variant type: single nucleotide variant.
Coding change: c.2693A>T on transcript NM_001160148.2 (MANE Select); coding-DNA position 2693, A replaced by T.
Protein change: p.Asp898Val; replaces aspartic acid 898 with valine.
Molecular consequence: missense variant.
Genome position (GRCh38, 1-based): chr14:53,046,778, T>A on the plus strand (A>T on the coding strand, the complement: DDHD1 is on the minus strand). VCF-style: chr14-53046778-T-A. GRCh37 (hg19) VCF-style: chr14-53513496-T-A.
Other names: c.2630A>T, p.Asp877Val (NM_001160147.2); c.2609A>T, p.Asp870Val (NM_030637.3); short protein forms D898V, D870V, D877V.
Identifiers: ClinVar variation 2199265 (VCV002199265.4), dbSNP rs748343890, ClinGen allele CA389767149.

ClinVar aggregate classification (germline): Uncertain significance (1 of 4 stars; one submission).

Conditions:
Hereditary spastic paraplegia 28. Also called: Spastic paraplegia 28, autosomal recessive. Identifiers: Orphanet 101008, MedGen C1836295, MONDO:0012256, OMIM 609340.

gnomAD v4.1: 17 of 1,603,834 alleles (0.0011%); highest among the groups gnomAD compares: African/African-American, 0.004%; no homozygotes.

Submission:

Labcorp Genetics (formerly Invitae), Labcorp
Classification: Uncertain significance for Hereditary spastic paraplegia 28. Last evaluated: 2022-07-15. Review status: criteria provided, single submitter. Criteria: Invitae Variant Classification Sherloc (09022015). Collection method: clinical testing. Allele origin: germline.
Comment: In summary, the available evidence is currently insufficient to determine the role of this variant in disease. Therefore, it has been classified as a Variant of Uncertain Significance. Algorithms developed to predict the effect of missense changes on protein structure and function are either unavailable or do not agree on the potential impact of this missense change (SIFT: "Tolerated"; PolyPhen-2: "Probably Damaging"; Align-GVGD: "Class C0"). This variant has not been reported in the literature in individuals affected with DDHD1-related conditions. This variant is not present in population databases (gnomAD no frequency). This sequence change replaces aspartic acid, which is acidic and polar, with valine, which is neutral and non-polar, at codon 877 of the DDHD1 protein (p.Asp877Val).